The following is an entry in ClinVar:

NM_001271.4(CHD2):c.2671C>A (p.Pro891Thr)

Gene: CHD2 (chromodomain helicase DNA binding protein 2; plus strand). Cytogenetic location: 15q26.1.
Variant type: single nucleotide variant.
Coding change: c.2671C>A on transcript NM_001271.4 (MANE Select); coding-DNA position 2671, C replaced by A.
Protein change: p.Pro891Thr; replaces proline 891 with threonine.
Molecular consequence: missense variant.
Genome position (GRCh38, 1-based): chr15:92,978,327, C>A. VCF-style: chr15-92978327-C-A. GRCh37 (hg19) VCF-style: chr15-93521557-C-A.
Other names: short protein forms P891T.
Identifiers: ClinVar variation 3902069 (VCV003902069.1).
Genomic context (GRCh38, chr15:92,978,327, plus strand): 5'-GGCCTGGGAATCAATTTGGCTTCAGCGGACACAGTCGTCATCTTTGACTCTGACTGGAAC[C>A]CCCAGAATGACTTGCAGGCACAAGCCCGAGCGCATAGAATTGGTCAAAAGAAGCAGGTCA-3'
Protein context (NP_001262.3, residues 881-901): TVVIFDSDWN[Pro891Thr]QNDLQAQARA

ClinVar aggregate classification (germline): Uncertain significance (1 of 4 stars; one submission).

Conditions:
Developmental and epileptic encephalopathy 94 (DEE94). Also called: CHD2-Related Neurodevelopmental Disorders; Epileptic encephalopathy, childhood-onset. Identifiers: Orphanet 1942, Orphanet 2382, MedGen C3809278, MONDO:0014150, OMIM 615369.

Submission:

Laboratorio de Genetica e Diagnostico Molecular, Hospital Israelita Albert Einstein
Classification: Uncertain significance for Developmental and epileptic encephalopathy 94. Last evaluated: 2023-09-27. Review status: criteria provided, single submitter. Criteria: ACMG Guidelines, 2015. Collection method: clinical testing. Allele origin: germline. Affected: yes.
Comment: ACMG classification criteria: PM2 moderate, PP2 supporting, PP3 supporting